The following is an entry in ClinVar:

NM_002878.4(RAD51D):c.806G>C (p.Ser269Thr)

Genes: RAD51D (RAD51 paralog D; minus strand), RAD51L3-RFFL (RAD51L3-RFFL readthrough; minus strand). Cytogenetic location: 17q12.
Variant type: single nucleotide variant.
Coding change: c.806G>C on transcript NM_002878.4 (MANE Select); coding-DNA position 806, G replaced by C.
Protein change: p.Ser269Thr; replaces serine 269 with threonine.
Molecular consequence: missense variant. On other transcripts: non-coding transcript variant (3).
Genome position (GRCh38, 1-based): chr17:35,101,298, C>G on the plus strand (G>C on the coding strand, the complement: RAD51D is on the minus strand). VCF-style: chr17-35101298-C-G. GRCh37 (hg19) VCF-style: chr17-33428317-C-G.
Other names: c.866G>C, p.Ser289Thr (NM_001142571.2); c.470G>C, p.Ser157Thr (NM_133629.3); short protein forms S269T, S289T, S157T.
Identifiers: ClinVar variation 2774202 (VCV002774202.2), dbSNP rs876658762, ClinGen allele CA399086798.
Genomic context (GRCh38, chr17:35,101,298, plus strand): 5'-CCGCCTGATGCTCCTGCTCCCTCGATGGTGTCCAGGAGAATCCGAGTGCTGGGCACAAAG[C>G]TCCAGGAGCGTCCGAGGGCAGGTTTGAGCCTCCCGCTGTCCCTGTCTCGAGTTATGTGGT-3'
Protein context (NP_002869.3, residues 259-279): RLKPALGRSW[Ser269Thr]FVPSTRILLD

ClinVar aggregate classification (germline): Uncertain significance (1 of 4 stars; one submission).

Conditions:
Hereditary cancer-predisposing syndrome. Also called: Hereditary neoplastic syndrome; Hereditary Cancer Syndrome; Neoplastic Syndromes, Hereditary; Tumor predisposition. Identifiers: Orphanet 140162, MedGen C0027672, MeSH D009386, MONDO:0015356.

Submission:

Color Diagnostics, LLC DBA Color Health
Classification: Uncertain significance for Hereditary cancer-predisposing syndrome. Last evaluated: 2022-03-02. Review status: criteria provided, single submitter. Criteria: ACMG Guidelines, 2015. Collection method: clinical testing. Allele origin: germline.
Comment: This missense variant replaces serine with threonine at codon 269 of the RAD51D protein. Computational prediction suggests that this variant may not impact protein structure and function (internally defined REVEL score threshold <= 0.5, PMID: 27666373). To our knowledge, functional studies have not been reported for this variant. This variant has not been reported in individuals affected with hereditary cancer in the literature. This variant has not been identified in the general population by the Genome Aggregation Database (gnomAD). The available evidence is insufficient to determine the role of this variant in disease conclusively. Therefore, this variant is classified as a Variant of Uncertain Significance.